The following is an entry in ClinVar:

NM_001270508.2(TNFAIP3):c.669T>A (p.Asn223Lys)

Genes: TNFAIP3 (TNF alpha induced protein 3; plus strand), LOC126859807 (MED14-independent group 3 enhancer GRCh37_chr6:138196296-138197495; plus strand). Cytogenetic location: 6q23.3.
Variant type: single nucleotide variant.
Coding change: c.669T>A on transcript NM_001270508.2 (MANE Select); coding-DNA position 669, T replaced by A.
Protein change: p.Asn223Lys; replaces asparagine 223 with lysine.
Molecular consequence: missense variant.
Genome position (GRCh38, 1-based): chr6:137,876,030, T>A. VCF-style: chr6-137876030-T-A. GRCh37 (hg19) VCF-style: chr6-138197167-T-A.
Other names: c.669T>A, p.Asn223Lys (NM_001270507.2, NM_006290.4); short protein forms N223K.
Identifiers: ClinVar variation 2884630 (VCV002884630.3), dbSNP rs2114484734, ClinGen allele CA365784123.

ClinVar aggregate classification (germline): Uncertain significance (1 of 4 stars; one submission).

Allele frequency attached by ClinVar (database versions not stated): gnomAD exomes below 0.00001.

Submission:

Labcorp Genetics (formerly Invitae), Labcorp
Classification: Uncertain significance. Last evaluated: 2025-11-13. Review status: criteria provided, single submitter. Criteria: Invitae Variant Classification Sherloc (09022015). Collection method: clinical testing. Allele origin: germline.
Comment: This sequence change replaces asparagine, which is neutral and polar, with lysine, which is basic and polar, at codon 223 of the TNFAIP3 protein (p.Asn223Lys). This variant is not present in population databases (gnomAD no frequency). This variant has not been reported in the literature in individuals affected with TNFAIP3-related conditions. ClinVar contains an entry for this variant (Variation ID: 2884630). Invitae Evidence Modeling of protein sequence and biophysical properties (such as structural, functional, and spatial information, amino acid conservation, physicochemical variation, residue mobility, and thermodynamic stability) indicates that this missense variant is not expected to disrupt TNFAIP3 protein function with a negative predictive value of 80%. In summary, the available evidence is currently insufficient to determine the role of this variant in disease. Therefore, it has been classified as a Variant of Uncertain Significance.